The following is an entry in ClinVar:

ClinVar aggregate classification (germline): Pathogenic/Likely pathogenic. Review status: criteria provided, multiple submitters, no conflicts (2 of 4 stars). 5 submissions from 5 submitters: Pathogenic (1); Likely pathogenic (3). 1 of the submissions does not count toward it. Last evaluated 2025-08-29.

Conditions:
Hypophosphatasia. Also called: Phosphoethanol-aminuria. Identifiers: Orphanet 436, MedGen C0020630, MeSH D007014, MONDO:0018570.
Infantile hypophosphatasia. Identifiers: Orphanet 247651, Orphanet 436, MedGen C0268412, MONDO:1010169, OMIM 241500, MONDO:0009427.

Submissions (5):

Genomenon, Inc
Classification: Pathogenic for Hypophosphatasia. Last evaluated: 2025-08-29. Review status: criteria provided, single submitter. Criteria: Genomenon Sequence Variant Interpretation Standards. Collection method: curation. Allele origin: germline. Affected: yes.
Comment: ALPL Glu429Lys (c.1285G>A) is a missense variant that changes the amino acid at residue 429 from Glutamic acid to Lysine. This variant has been observed in at least one proband affected with hypophosphatasia (PMID:25731960;19500388). At least one functional study has demonstrated a substantial alteration in protein function relative to the wild-type (PMID:19500388). It is absent or not present at a significant frequency in gnomAD. In silico models agree that this variant is possibly or probably damaging. In conclusion, we classify ALPL p.Glu429Lys (c.1285G>A) as a pathogenic variant.

Natera, Inc.
Classification: Likely pathogenic for Hypophosphatasia. Last evaluated: 2024-11-01. Review status: criteria provided, single submitter. Criteria: Natera Variant Classification Schema (03/2026). Collection method: clinical testing. Allele origin: germline.
Comment: The c.1285G>A variant in ALPL is a missense variant predicted to cause substitution of glutamic acid to lysine at amino acid 429. This variant is rare in the general population with a frequency below the threshold expected for the associated phenotype(s). This variant has been observed in affected individual(s) with monoallelic occurrence (heterozygous/hemizygous) (PMID: 19500388). Functional studies show that this variant may disrupt protein function (PMID: 19500388). Computational prediction algorithms indicate this variant is likely to affect gene or protein function. Given the available evidence, this variant is classified as Likely Pathogenic.

Women's Health and Genetics/Laboratory Corporation of America, LabCorp
Classification: Likely pathogenic for Hypophosphatasia. Last evaluated: 2024-10-01. Review status: criteria provided, single submitter. Criteria: LabCorp Variant Classification Summary - May 2015. Collection method: clinical testing. Allele origin: germline.
Comment: Variant summary: ALPL c.1285G>A (p.Glu429Lys) results in a conservative amino acid change in the encoded protein sequence. Three of five in-silico tools predict a damaging effect of the variant on protein function. The variant was absent in 251342 control chromosomes (gnomAD). c.1285G>A has been reported in the literature in heterozygous individuals affected with autosomal dominant Odonto hypophosphatasia (examples: Fauvert_2009, Martins_2013, Whyte_2015). These data indicate that the variant is associated with disease. In functional studies, the variant showed reduced residual activity compared to wild-type (example: Fauvert_2009). The following publications have been ascertained in the context of this evaluation (PMID: 19500388, 23791648, 25731960). ClinVar contains an entry for this variant (Variation ID: 558387). Based on the evidence outlined above, the variant was classified as likely pathogenic.

Labcorp Genetics (formerly Invitae), Labcorp
Classification: Likely pathogenic. Last evaluated: 2022-11-09. Review status: criteria provided, single submitter. Criteria: Invitae Variant Classification Sherloc (09022015). Collection method: clinical testing. Allele origin: germline.
Comment: Advanced modeling of protein sequence and biophysical properties (such as structural, functional, and spatial information, amino acid conservation, physicochemical variation, residue mobility, and thermodynamic stability) performed at Invitae indicates that this missense variant is expected to disrupt ALPL protein function. This sequence change replaces glutamic acid, which is acidic and polar, with lysine, which is basic and polar, at codon 429 of the ALPL protein (p.Glu429Lys). This variant is not present in population databases (gnomAD no frequency). This missense change has been observed in individual(s) with autosomal dominant hypophosphatasia (PMID: 19500388, 25731960). ClinVar contains an entry for this variant (Variation ID: 558387). Experimental studies have shown that this missense change affects ALPL function (PMID: 19500388). In summary, the currently available evidence indicates that the variant is pathogenic, but additional data are needed to prove that conclusively. Therefore, this variant has been classified as Likely Pathogenic.

Counsyl
Classification: Uncertain significance for Infantile hypophosphatasia. Last evaluated: 2018-05-21. Review status: no assertion criteria provided. Collection method: clinical testing. Allele origin: unknown. Not counted in ClinVar's aggregate classification.

Literature cited by the submitters: PubMed 25731960 (cited by 4 submitters); PubMed 19500388 (cited by 5 submitters); PubMed 23791648 (cited by Women's Health and Genetics/Laboratory Corporation of America, LabCorp).

NM_000478.6(ALPL):c.1285G>A (p.Glu429Lys)

Gene: ALPL (alkaline phosphatase, biomineralization associated; plus strand). Cytogenetic location: 1p36.12.
Variant type: single nucleotide variant.
Coding change: c.1285G>A on transcript NM_000478.6 (MANE Select); coding-DNA position 1285, G replaced by A.
Protein change: p.Glu429Lys; replaces glutamic acid 429 with lysine.
Molecular consequence: missense variant.
Genome position (GRCh38, 1-based): chr1:21,576,617, G>A. VCF-style: chr1-21576617-G-A. GRCh37 (hg19) VCF-style: chr1-21903110-G-A.
Other names: c.1120G>A, p.Glu374Lys (NM_001127501.4); c.1054G>A, p.Glu352Lys (NM_001177520.3); c.1285G>A, p.Glu429Lys (NM_001369803.2, NM_001369804.2, NM_001369805.2); c.1285G>A (NM_000478.5); short protein forms E429K, E374K, E352K.
Identifiers: ClinVar variation 558387 (VCV000558387.8), dbSNP rs1553414868, ClinGen allele CA338881853.